The following is an entry in ClinVar:

ClinVar aggregate classification (germline): Uncertain significance (1 of 4 stars; one submission).

Submission:

GeneDx
Classification: Uncertain significance. Last evaluated: 2024-10-21. Review status: criteria provided, single submitter. Criteria: GeneDx Variant Classification Process June 2021. Collection method: clinical testing. Allele origin: germline. Affected: yes.
Comment: Not observed at significant frequency in large population cohorts (gnomAD); In silico analysis supports that this missense variant has a deleterious effect on protein structure/function; Has not been previously published as pathogenic or benign to our knowledge

NM_001174147.2(LMX1B):c.407A>G (p.Tyr136Cys)

Gene: LMX1B (LIM homeobox transcription factor 1 beta; plus strand). Cytogenetic location: 9q33.3.
Variant type: single nucleotide variant.
Coding change: c.407A>G on transcript NM_001174147.2 (MANE Select); coding-DNA position 407, A replaced by G.
Protein change: p.Tyr136Cys; replaces tyrosine 136 with cysteine.
Molecular consequence: missense variant.
Genome position (GRCh38, 1-based): chr9:126,690,916, A>G. VCF-style: chr9-126690916-A-G. GRCh37 (hg19) VCF-style: chr9-129453195-A-G.
Other names: c.407A>G, p.Tyr136Cys (NM_001174146.2, NM_002316.4); short protein forms Y136C.
Identifiers: ClinVar variation 3781310 (VCV003781310.1).